The following is an entry in ClinVar:

NM_005618.4(DLL1):c.173C>T (p.Thr58Ile)

Gene: DLL1 (delta like canonical Notch ligand 1; minus strand). Cytogenetic location: 6q27.
Variant type: single nucleotide variant.
Coding change: c.173C>T on transcript NM_005618.4 (MANE Select); coding-DNA position 173, C replaced by T.
Protein change: p.Thr58Ile; replaces threonine 58 with isoleucine.
Molecular consequence: missense variant.
Genome position (GRCh38, 1-based): chr6:170,289,690, G>A on the plus strand (C>T on the coding strand, the complement: DLL1 is on the minus strand). VCF-style: chr6-170289690-G-A. GRCh37 (hg19) VCF-style: chr6-170598778-G-A.
Other names: short protein forms T58I.
Identifiers: ClinVar variation 3767808 (VCV003767808.4).

ClinVar aggregate classification (germline): Uncertain significance. Review status: criteria provided, multiple submitters, no conflicts (2 of 4 stars). 2 submissions from 2 submitters: Uncertain significance (2). Last evaluated 2025-05-06.

Conditions:
Neurodevelopmental disorder with nonspecific brain abnormalities and with or without seizures. Identifiers: MedGen C5231470, MONDO:0032877, OMIM 618709.

Submissions (2):

GeneDx
Classification: Uncertain significance. Last evaluated: 2025-05-06. Review status: criteria provided, single submitter. Criteria: GeneDx Variant Classification Process June 2021. Collection method: clinical testing. Allele origin: germline.
Comment: Not observed at significant frequency in large population cohorts (gnomAD); In silico analysis supports that this missense variant has a deleterious effect on protein structure/function; Has not been previously published as pathogenic or benign to our knowledge

Juno Genomics, Hangzhou Juno Genomics, Inc
Classification: Uncertain significance for Neurodevelopmental disorder with nonspecific brain abnormalities and with or without seizures. Review status: criteria provided, single submitter. Criteria: ACMG Guidelines, 2015. Collection method: clinical testing. Allele origin: germline.
Comment: Absent from controls (or at extremely low frequency if recessive) in Genome Aggregation Database.;Multiple lines of computational evidence support a deleterious effect on the gene or gene product.